The following is an entry in ClinVar:

NM_138413.4(HOGA1):c.443C>T (p.Ala148Val)

Gene: HOGA1 (4-hydroxy-2-oxoglutarate aldolase 1; plus strand). Cytogenetic location: 10q24.2.
Variant type: single nucleotide variant.
Coding change: c.443C>T on transcript NM_138413.4 (MANE Select); coding-DNA position 443, C replaced by T.
Protein change: p.Ala148Val; replaces alanine 148 with valine.
Molecular consequence: missense variant. On other transcripts: intron variant (1).
Genome position (GRCh38, 1-based): chr10:97,599,191, C>T. VCF-style: chr10-97599191-C-T. GRCh37 (hg19) VCF-style: chr10-99358948-C-T.
Other names: p.Ala148Val; c.212-2666C>T (NM_001134670.2); short protein forms A148V.
Identifiers: ClinVar variation 990339 (VCV000990339.8), dbSNP rs149896778, ClinGen allele CA5634104.

ClinVar aggregate classification (germline): Conflicting classifications of pathogenicity. Review status: criteria provided, conflicting classifications (1 of 4 stars). 5 submissions from 5 submitters: Likely pathogenic (2); Uncertain significance (1). 2 of the submissions do not count toward it. Last evaluated 2024-09-10.

Conditions:
Primary hyperoxaluria type 3. Also called: PH III. Identifiers: Orphanet 416, Orphanet 93600, MedGen C3150878, MONDO:0013327, OMIM 613616. Disease mechanism: loss of function.

Allele frequency attached by ClinVar (database versions not stated): gnomAD 0.00004; TOPMed 0.00008; ExAC 0.00009; gnomAD exomes 0.00010 and 0.00011; 1000 Genomes Project 30x 0.00016; 1000 Genomes Project 0.00020; ESP Exome Variant Server 0.00023.
gnomAD v4.1: 148 of 1,613,910 alleles (0.0092%); highest among the groups gnomAD compares: South Asian, 0.033%; no homozygotes.

Submissions (5):

Genetic Services Laboratory, University of Chicago
Classification: Likely pathogenic. Last evaluated: 2024-09-10. Review status: criteria provided, single submitter. Criteria: ACMG Guidelines, 2015. Collection method: clinical testing. Allele origin: germline. Affected: yes.
Comment: DNA sequence analysis of the HOGA1 gene demonstrated a sequence change, c.443C>T, in exon 3 that results in an amino acid change, p.Ala148Val. The p.Ala148Val change affects a highly conserved amino acid residue located in a domain of the HOGA1 protein that is known to be functional. The p.Ala148Val substitution appears to be possibly benign using several in-silico pathogenicity prediction tools (SIFT, PolyPhen2, Align GVGD, REVEL). This sequence change has been described in the gnomAD database with a frequency of 0.033% in the South Asian subpopulation (dbSNP rs149896778). The p.Ala148Val amino acid change has been described in the literature in a biallelic state in individuals with primary hyperoxaluria type 3 (PMID: 35149915) and recurrent bilateral kidney stones (PMID: 36259736). It has also been described in the literature in other individuals with HOGA1-related disorders (PMID: 22781098, 36185032, 37318624). Collectively, this evidence indicates that this sequence change is likely pathogenic, however functional studies have not been performed to prove this conclusively.

Fulgent Genetics
Classification: Likely pathogenic for Primary hyperoxaluria type 3. Last evaluated: 2024-03-04. Review status: criteria provided, single submitter. Criteria: ACMG Guidelines, 2015. Collection method: clinical testing. Allele origin: germline.

Mayo Clinic Laboratories, Mayo Clinic
Classification: Uncertain significance. Last evaluated: 2023-11-03. Review status: criteria provided, single submitter. Criteria: ACMG Guidelines, 2015. Collection method: clinical testing. Allele origin: germline. Observed: 1 variant allele.
Comment: PM3

Chinese Inherited Urolithiasis Consortium, The Affiliated Yantai Yuhuangding Hospital of Qingdao University
Classification: Likely pathogenic for Primary hyperoxaluria type 3. Last evaluated: 2024-08-26. Review status: no assertion criteria provided. Collection method: clinical testing. Allele origin: maternal. Affected: yes. Observed: 1 variant allele. Not counted in ClinVar's aggregate classification.

Natera, Inc.
Classification: Uncertain significance for Primary hyperoxaluria type III. Last evaluated: 2020-04-11. Review status: no assertion criteria provided. Collection method: clinical testing. Allele origin: germline. Not counted in ClinVar's aggregate classification.

Literature cited by the submitters: PubMed 22781098 (cited by Mayo Clinic Laboratories, Mayo Clinic); PubMed 35149915 (cited by Mayo Clinic Laboratories, Mayo Clinic); PubMed 36185032 (cited by Mayo Clinic Laboratories, Mayo Clinic); PubMed 36259736 (cited by Mayo Clinic Laboratories, Mayo Clinic); PubMed 37318624 (cited by Mayo Clinic Laboratories, Mayo Clinic).